The following is an entry in ClinVar:

NM_000554.6(CRX):c.380C>T (p.Pro127Leu)

Gene: CRX (cone-rod homeobox; plus strand). Cytogenetic location: 19q13.33.
Variant type: single nucleotide variant.
Coding change: c.380C>T on transcript NM_000554.6 (MANE Select); coding-DNA position 380, C replaced by T.
Protein change: p.Pro127Leu; replaces proline 127 with leucine.
Molecular consequence: missense variant.
Genome position (GRCh38, 1-based): chr19:47,839,447, C>T. VCF-style: chr19-47839447-C-T. GRCh37 (hg19) VCF-style: chr19-48342704-C-T.
Other names: short protein forms P127L.
Identifiers: ClinVar variation 2538604 (VCV002538604.5), dbSNP rs1968163788, ClinGen allele CA406630529.

ClinVar aggregate classification (germline): Uncertain significance. Review status: criteria provided, multiple submitters, no conflicts (2 of 4 stars). 2 submissions from 2 submitters: Uncertain significance (2). Last evaluated 2024-04-11.

Conditions:
Leber congenital amaurosis 7 (LCA7). Identifiers: Orphanet 65, MedGen C3151192, MONDO:0013449, OMIM 613829.
Cone-rod dystrophy 2 (CORD2). Also called: CONE-ROD RETINAL DYSTROPHY; Cone-rod retinal dystrophy 2. Identifiers: Orphanet 1872, MedGen C3489532, MONDO:0007362, OMIM 120970.
Inborn genetic diseases. Identifiers: MedGen C0950123, MeSH D030342.

Allele frequency attached by ClinVar (database versions not stated): gnomAD exomes below 0.00001.
gnomAD v4.1: 1 of 1,613,958 alleles (0.000062%); highest among the groups gnomAD compares: South Asian, 0.0011%; no homozygotes.

Submissions (2):

Labcorp Genetics (formerly Invitae), Labcorp
Classification: Uncertain significance for Cone-rod dystrophy 2; Leber congenital amaurosis 7. Last evaluated: 2024-04-11. Review status: criteria provided, single submitter. Criteria: Invitae Variant Classification Sherloc (09022015). Collection method: clinical testing. Allele origin: germline.
Comment: This sequence change replaces proline, which is neutral and non-polar, with leucine, which is neutral and non-polar, at codon 127 of the CRX protein (p.Pro127Leu). This variant is not present in population databases (gnomAD no frequency). This variant has not been reported in the literature in individuals affected with CRX-related conditions. ClinVar contains an entry for this variant (Variation ID: 2538604). Advanced modeling of protein sequence and biophysical properties (such as structural, functional, and spatial information, amino acid conservation, physicochemical variation, residue mobility, and thermodynamic stability) performed at Invitae indicates that this missense variant is not expected to disrupt CRX protein function with a negative predictive value of 80%. In summary, the available evidence is currently insufficient to determine the role of this variant in disease. Therefore, it has been classified as a Variant of Uncertain Significance.

Ambry Genetics
Classification: Uncertain significance for Inborn genetic diseases. Last evaluated: 2023-04-19. Review status: criteria provided, single submitter. Criteria: Ambry Variant Classification Scheme 2023. Collection method: clinical testing. Allele origin: germline.